The following is an entry in ClinVar:

NM_006514.4(SCN10A):c.2850A>T (p.Lys950Asn)

Genes: SCN10A (sodium voltage-gated channel alpha subunit 10; minus strand), LOC110121288 (VISTA enhancer hs2268; plus strand). Cytogenetic location: 3p22.2.
Variant type: single nucleotide variant.
Coding change: c.2850A>T on transcript NM_006514.4 (MANE Select); coding-DNA position 2850, A replaced by T.
Protein change: p.Lys950Asn; replaces lysine 950 with asparagine.
Molecular consequence: missense variant.
Genome position (GRCh38, 1-based): chr3:38,726,843, T>A on the plus strand (A>T on the coding strand, the complement: SCN10A is on the minus strand). VCF-style: chr3-38726843-T-A. GRCh37 (hg19) VCF-style: chr3-38768334-T-A.
Other names: c.2850A>T (NM_006514.2, NM_006514.3); c.2850A>T, p.Lys950Asn (NM_001293306.2); c.2556A>T, p.Lys852Asn (NM_001293307.2); short protein forms K950N, K852N.
Identifiers: ClinVar variation 1439968 (VCV001439968.10), dbSNP rs7374804, ClinGen allele CA352158141.

ClinVar aggregate classification (germline): Conflicting classifications of pathogenicity. Review status: criteria provided, conflicting classifications (1 of 4 stars). 3 submissions from 3 submitters: Uncertain significance (2); Likely benign (1). Last evaluated 2026-02-13.

Conditions:
Cardiovascular phenotype. Identifiers: MedGen CN230736.
Brugada syndrome. Also called: Sudden unexplained nocturnal death syndrome; Sudden Unexplained Death Syndrome; Sudden Unexplained Nocturnal Death Syndrome (SUNDS); Sudden unexpected nocturnal death syndrome. Identifiers: Orphanet 130, MedGen C1142166, MONDO:0015263.
SCN10A-related disorder. Also called: SCN10A-related condition.

gnomAD v4.1: 48 of 1,613,444 alleles (0.003%); highest among the groups gnomAD compares: Non-Finnish European, 0.0037%; no homozygotes.

Submissions (3):

PreventionGenetics, part of Exact Sciences
Classification: Uncertain significance for SCN10A-related condition. Last evaluated: 2026-02-13. Review status: criteria provided, single submitter. Criteria: ACMG Guidelines, 2015. Collection method: clinical testing. Allele origin: germline.
Comment: The SCN10A c.2850A>T variant is predicted to result in the amino acid substitution p.Lys950Asn. To our knowledge, this variant has not been reported in the literature. This variant was reported in 0.0023% of alleles in individuals of European (Non-Finnish) descent in gnomAD v2. However, in gnomAD v4 (available only on GRCh38), this variant is reported in 0.0037% of alleles in the European (Non-Finnish) subpopulation. This population data is not consistent with this variant being a primary cause of disease. Although we suspect that this variant may be benign, at this time, the clinical significance of this variant is uncertain due to the absence of conclusive functional and genetic evidence.

Ambry Genetics
Classification: Likely benign for Cardiovascular phenotype. Last evaluated: 2025-07-25. Review status: criteria provided, single submitter. Criteria: Ambry Variant Classification Scheme 2023. Collection method: clinical testing. Allele origin: germline.

Labcorp Genetics (formerly Invitae), Labcorp
Classification: Uncertain significance for Brugada syndrome. Last evaluated: 2024-12-08. Review status: criteria provided, single submitter. Criteria: Invitae Variant Classification Sherloc (09022015). Collection method: clinical testing. Allele origin: germline.
Comment: This sequence change replaces lysine, which is basic and polar, with asparagine, which is neutral and polar, at codon 950 of the SCN10A protein (p.Lys950Asn). This variant is present in population databases (no rsID available, gnomAD 0.003%). This variant has not been reported in the literature in individuals affected with SCN10A-related conditions. ClinVar contains an entry for this variant (Variation ID: 1439968). Invitae Evidence Modeling of protein sequence and biophysical properties (such as structural, functional, and spatial information, amino acid conservation, physicochemical variation, residue mobility, and thermodynamic stability) indicates that this missense variant is not expected to disrupt SCN10A protein function with a negative predictive value of 95%. In summary, the available evidence is currently insufficient to determine the role of this variant in disease. Therefore, it has been classified as a Variant of Uncertain Significance.

Literature cited by the submitters: PubMed 36413997 (cited by Ambry Genetics).